The following is an entry in ClinVar:

NM_024675.4(PALB2):c.1684+4A>C

Gene: PALB2 (partner and localizer of BRCA2; minus strand). Cytogenetic location: 16p12.2.
Variant type: single nucleotide variant.
Coding change: c.1684+4A>C on transcript NM_024675.4 (MANE Select); 4 bases into the intron after coding-DNA position 1684, A replaced by C.
Molecular consequence: intron variant.
Genome position (GRCh38, 1-based): chr16:23,634,858, T>G on the plus strand (A>C on the coding strand, the complement: PALB2 is on the minus strand). VCF-style: chr16-23634858-T-G. GRCh37 (hg19) VCF-style: chr16-23646179-T-G.
Identifiers: ClinVar variation 388551 (VCV000388551.1), dbSNP rs1057523145, ClinGen allele CA16607340.

ClinVar aggregate classification (germline): Likely benign (1 of 4 stars; one submission).

Submission:

GeneDx
Classification: Likely benign. Last evaluated: 2016-08-15. Review status: criteria provided, single submitter. Criteria: GeneDx Variant Classification (06012015). Collection method: clinical testing. Allele origin: germline. Affected: yes.
Comment: This variant is considered likely benign or benign based on one or more of the following criteria: it is a conservative change, it occurs at a poorly conserved position in the protein, it is predicted to be benign by multiple in silico algorithms, and/or has population frequency not consistent with disease.